The following is an entry in ClinVar:

ClinVar aggregate classification (germline): Pathogenic/Likely pathogenic. Review status: criteria provided, multiple submitters, no conflicts (2 of 4 stars). 11 submissions from 11 submitters: Pathogenic (7); Likely pathogenic (1). 3 of the submissions do not count toward it. Last evaluated 2025-12-13.

Conditions:
SMPD1-related disorder. Also called: SMPD1-related condition.
Niemann-Pick disease, type A. Also called: Infantile Neurovisceral ASMD (Niemann-Pick Disease Type A; NPD-A); SPHINGOMYELIN LIPIDOSIS; SPHINGOMYELINASE DEFICIENCY. Identifiers: Orphanet 77292, MedGen C0268242, MONDO:0009756, OMIM 257200. Disease mechanism: loss of function.
Niemann-Pick disease, type B. Also called: Chronic Visceral ASMD (Niemann-Pick Disease Type B; NPD-B). Identifiers: Orphanet 77293, MedGen C0268243, MONDO:0011871, OMIM 607616. Disease mechanism: loss of function.
Sphingomyelin/cholesterol lipidosis. Also called: Niemann-Pick disease. Identifiers: MedGen C0028064, MONDO:0001982.

Allele frequency attached by ClinVar (database versions not stated): gnomAD exomes 0.00002 and 0.00001; 1000 Genomes Project 0.00040; gnomAD 0.00005 and 0.00004; ExAC 0.00002; TOPMed 0.00013; 1000 Genomes Project 30x 0.00047.

Submissions (11):

Labcorp Genetics (formerly Invitae), Labcorp
Classification: Pathogenic for Niemann-Pick disease, type B; Niemann-Pick disease, type A. Last evaluated: 2025-12-13. Review status: criteria provided, single submitter. Criteria: Invitae Variant Classification Sherloc (09022015). Collection method: clinical testing. Allele origin: germline.
Comment: This sequence change replaces arginine, which is basic and polar, with tryptophan, which is neutral and slightly polar, at codon 476 of the SMPD1 protein (p.Arg476Trp). This variant is present in population databases (rs182812968, gnomAD 0.01%). This missense change has been observed in individual(s) with Niemann-Pick disease type B (PMID: 12369017, 12712061, 15234149, 23252888; internal data). In at least one individual the data is consistent with being in trans (on the opposite chromosome) from a pathogenic variant. This variant is also known as p.Arg474Trp. ClinVar contains an entry for this variant (Variation ID: 93315). Invitae Evidence Modeling of protein sequence and biophysical properties (such as structural, functional, and spatial information, amino acid conservation, physicochemical variation, residue mobility, and thermodynamic stability) indicates that this missense variant is expected to disrupt SMPD1 protein function with a positive predictive value of 95%. This variant disrupts the p.Arg476 amino acid residue in SMPD1. Other variant(s) that disrupt this residue have been observed in individuals with SMPD1-related conditions (PMID: 12712061, 26499107), which suggests that this may be a clinically significant amino acid residue. For these reasons, this variant has been classified as Pathogenic.

Natera, Inc.
Classification: Pathogenic for Niemann-Pick Disease, Types A/B. Last evaluated: 2025-10-09. Review status: criteria provided, single submitter. Criteria: Natera Variant Classification Schema (03/2026). Collection method: clinical testing. Allele origin: germline.
Comment: The c.1426C>T variant in SMPD1 is a missense variant predicted to cause substitution of arginine to tryptophan at amino acid 476. This variant is rare in the general population with a frequency below the threshold expected for the associated phenotype(s). This variant has been observed in one or more individuals affected with the associated recessive disease, as either homozygous or compound heterozygous with a second variant (PMID: 15234149). Additionally, this variant has been observed to segregate in affected family members (PMID: 15234149). Given the available evidence, this variant is classified as Pathogenic.

Baylor Genetics
Classification: Pathogenic for Niemann-Pick disease, type A. Last evaluated: 2024-03-25. Review status: criteria provided, single submitter. Criteria: ACMG Guidelines, 2015. Collection method: clinical testing. Allele origin: unknown.

Revvity Omics, Revvity
Classification: Pathogenic. Last evaluated: 2022-09-26. Review status: criteria provided, single submitter. Criteria: ACMG Guidelines, 2015. Collection method: clinical testing. Allele origin: germline.

Broad Center for Mendelian Genomics, Broad Institute of MIT and Harvard
Classification: Pathogenic for Sphingomyelin/cholesterol lipidosis. Last evaluated: 2020-01-22. Review status: criteria provided, single submitter. Criteria: ACMG Guidelines, 2015. Collection method: curation. Allele origin: germline. Inheritance: Autosomal recessive inheritance.
Comment: The p.Arg476Trp variant in SMPD1 (also known as p.Arg474Trp due to a difference in cDNA numbering) has been reported in at least 11 individuals with Niemann-Pick disease (PMID: 31122880, 12712061, 23252888, 19405096, 29995201, 12369017, 15877209) and has been identified in 0.012% (3/24964) of African chromosomes and 0.006% (2/35438) of Latino chromosomes by the Genome Aggregation Database (gnomAD; dbSNP rs182812968). Although this variant has been seen in the general population, its frequency is low enough to be consistent with a recessive carrier frequency. This variant has also been reported in ClinVar (Variation ID: 93315) as pathogenic by Integrated Genetics, EGL Genetic Diagnostics, and GeneReviews, and likely pathogenic by Counsyl and Invitae. Computational prediction tools and conservation analyses suggest that this variant may impact the protein, though this information is not predictive enough to determine pathogenicity. The phenotype of individuals compound heterozygous for this variant is highly specific for Niemann-Pick disease based on acid sphingomyelinase activity being <10% of normal, consistent with disease (PMID: 19405096, 15877209). The presence of this variant in combination with reported pathogenic variants in at least 7 individuals with Niemann-Pick disease increases the likelihood that the p.Arg476Trp variant is pathogenic (VariationID: 242451, 2980, 2990, 2993, 198093, 100731, 195086; PMID: 31122880, 12712061, 23252888, 19405096, 29995201, 12369017). In summary, this variant meets criteria to be classified as pathogenic for Niemann-Pick disease in an autosomal recessive manner based on its presence in combination with other pathogenic variants, low frequency in the general population, and the phenotype of individuals with the variant being highly specific for disease. ACMG/AMP Criteria applied: PM3_very-strong, PM2_supporting, PP3, PP4 (Richards 2015).

Women's Health and Genetics/Laboratory Corporation of America, LabCorp
Classification: Pathogenic. Last evaluated: 2017-09-22. Review status: criteria provided, single submitter. Criteria: LabCorp Variant Classification Summary - May 2015. Collection method: clinical testing. Allele origin: germline.
Comment: Variant summary: The SMPD1 c.1426C>T (p.Arg476Trp) variant involves the alteration of a conserved nucleotide located in the Metallo-dependent phosphatase-like (InterPro). 4/4 in silico tools predict a damaging outcome for this variant. This variant was found in 6/277218 control chromosomes at a frequency of 0.0000216, which does not exceed the estimated maximal expected allele frequency of a pathogenic SMPD1 variant (0.0022361). The variant has been reported in numerous affected compound heterozygote individuals in the literature. In addition, multiple clinical diagnostic laboratories/reputable databases classified this variant as likely pathogenic/pathogenic. Taken together, this variant is classified as pathogenic.

Eurofins Ntd Llc (ga)
Classification: Pathogenic. Last evaluated: 2012-12-18. Review status: criteria provided, single submitter. Criteria: EGL Classification Definitions. Collection method: clinical testing. Allele origin: germline. Observed: 3 variant alleles, 2 heterozygotes, 1 homozygote.

Juno Genomics, Hangzhou Juno Genomics, Inc
Classification: Likely pathogenic for Niemann-Pick disease, type A; Niemann-Pick disease, type B. Review status: criteria provided, single submitter. Criteria: ACMG Guidelines, 2015. Collection method: clinical testing. Allele origin: germline.
Comment: Absent from controls (or at extremely low frequency if recessive) in Genome Aggregation Database.;Multiple lines of computational evidence support a deleterious effect on the gene or gene product.;For recessive disorders, detected in trans with a pathogenic variant.;Patient's phenotype or family history is highly specific for a disease with a single genetic etiology.

PreventionGenetics, part of Exact Sciences
Classification: Pathogenic for SMPD1-related condition. Last evaluated: 2024-01-26. Review status: no assertion criteria provided. Collection method: clinical testing. Allele origin: germline. Not counted in ClinVar's aggregate classification.
Comment: The SMPD1 c.1426C>T variant is predicted to result in the amino acid substitution p.Arg476Trp. This variant has been reported to be causative for autosomal recessive Niemann-Pick disease, primarily the milder type B disorder (also described as p.Arg474Trp, Simonaro et al. 2002. PubMed ID: 12369017; Rodríguez-Pascau et al. 2009. PubMed ID: 19405096; Irun et al. 2013. PubMed ID: 23252888). This variant is reported in 0.012% of alleles in individuals of African descent in gnomAD. Based on the available evidence, we classify this variant as pathogenic.

Counsyl
Classification: Likely pathogenic for Niemann-Pick disease, type A. Last evaluated: 2014-06-11. Review status: no assertion criteria provided. Collection method: literature only. Allele origin: unknown. Inheritance: Autosomal recessive inheritance. Not counted in ClinVar's aggregate classification.

GeneReviews
No classification provided. Condition: Sphingomyelin/cholesterol lipidosis. Review status: no classification provided. Collection method: literature only. Allele origin: germline. Not counted in ClinVar's aggregate classification.
Comment: Some evidence suggests that this pathogenic variant is associated with a less severe form of Niemann-Pick disease type-B

Literature cited by the submitters: PubMed 12369017 (cited by 4 submitters); PubMed 12712061 (cited by 3 submitters); PubMed 15234149 (cited by 4 submitters); PubMed 23252888 (cited by 3 submitters); PubMed 26499107 (cited by Labcorp Genetics (formerly Invitae), Labcorp); PubMed 19405096 (cited by 3 submitters); PubMed 31122880 (cited by Broad Center for Mendelian Genomics, Broad Institute of MIT and Harvard); PubMed 29995201 (cited by Broad Center for Mendelian Genomics, Broad Institute of MIT and Harvard); PubMed 15877209 (cited by Broad Center for Mendelian Genomics, Broad Institute of MIT and Harvard and Counsyl).

NM_000543.5(SMPD1):c.1426C>T (p.Arg476Trp)

Gene: SMPD1 (sphingomyelin phosphodiesterase 1; plus strand). Cytogenetic location: 11p15.4.
Variant type: single nucleotide variant.
Coding change: c.1426C>T on transcript NM_000543.5 (MANE Select); coding-DNA position 1426, C replaced by T.
Protein change: p.Arg476Trp; replaces arginine 476 with tryptophan.
Molecular consequence: missense variant. On other transcripts: non-coding transcript variant (2).
Genome position (GRCh38, 1-based): chr11:6,393,981, C>T. VCF-style: chr11-6393981-C-T. GRCh37 (hg19) VCF-style: chr11-6415211-C-T.
Other names: c.1423C>T, p.Arg475Trp (NM_001007593.3); c.1426C>T, p.Arg476Trp (NM_001318087.2); c.505C>T, p.Arg169Trp (NM_001318088.2); c.1294C>T, p.Arg432Trp (NM_001365135.2); short protein forms R476W, R169W, R475W, R432W.
Identifiers: ClinVar variation 93315 (VCV000093315.40), dbSNP rs182812968, ClinGen allele CA221147.